The following is an entry in ClinVar:

NM_003185.4(TAF4):c.215_216delinsAG (p.Gly72Glu)

Gene: TAF4 (TATA-box binding protein associated factor 4; minus strand). Cytogenetic location: 20q13.33.
Variant type: Indel.
Coding change: c.215_216delinsAG on transcript NM_003185.4 (MANE Select); coding-DNA positions 215 to 216, GC replaced by AG.
Protein change: p.Gly72Glu; replaces glycine 72 with glutamic acid.
Molecular consequence: missense variant.
Genome position (GRCh38, 1-based): chr20:62,065,595-62,065,596, GC replaced by CT on the plus strand (GC replaced by AG on the coding strand, the reverse complement: TAF4 is on the minus strand). VCF-style: chr20-62065595-GC-CT. GRCh37 (hg19) VCF-style: chr20-60640651-GC-CT.
Other names: short protein forms G72E.
Identifiers: ClinVar variation 3373008 (VCV003373008.2).
Genomic context (GRCh38, chr20:62,065,595, plus strand): 5'-TGCGGGGGGCGGCTCCGGCGCCGCTCCGGGCGCGCCCTCGGCGGGGGCGGCCGGCCCTGC[GC>CT]CCGCGGCTCCGGCCGGGCTGCCGCTCACAACATGGTTCCCGAGCGCGCCGGCGGCCGCGG-3'
Protein context (NP_003176.2, residues 62-82): VVSGSPAGAA[Gly72Glu]AGPAAPAEGA

ClinVar aggregate classification (germline): Uncertain significance (1 of 4 stars; one submission).

Submission:

GeneDx
Classification: Uncertain significance. Last evaluated: 2026-09-07. Review status: criteria provided, single submitter. Criteria: GeneDx Variant Classification Process June 2021. Collection method: clinical testing. Allele origin: germline.
Comment: Not observed at significant frequency in large population cohorts (gnomAD); In silico analysis indicates that this variant does not alter protein structure/function; Has not been previously published as pathogenic or benign to our knowledge.